The following is an entry in ClinVar:

ClinVar aggregate classification (germline): Uncertain significance (1 of 4 stars; one submission).

Submission:

Labcorp Genetics (formerly Invitae), Labcorp
Classification: Uncertain significance. Last evaluated: 2026-01-05. Review status: criteria provided, single submitter. Criteria: Invitae Variant Classification Sherloc (09022015). Collection method: clinical testing. Allele origin: germline.
Comment: This variant, c.115_126dup, results in the insertion of 4 amino acid(s) of the SLC25A42 protein (p.Ser39_Leu42dup), but otherwise preserves the integrity of the reading frame. This variant is present in population databases (no rsID available, gnomAD 0.002%). This variant has not been reported in the literature in individuals affected with SLC25A42-related conditions. ClinVar contains an entry for this variant (Variation ID: 1387429). Experimental studies and prediction algorithms are not available or were not evaluated, and the functional significance of this variant is currently unknown. In summary, the available evidence is currently insufficient to determine the role of this variant in disease. Therefore, it has been classified as a Variant of Uncertain Significance.

NM_178526.5(SLC25A42):c.115_126dup (p.Ser39_Leu42dup)

Gene: SLC25A42 (solute carrier family 25 member 42; plus strand). Cytogenetic location: 19p13.11.
Variant type: Duplication.
Coding change: c.115_126dup on transcript NM_178526.5 (MANE Select); coding-DNA positions 115 to 126, 12 bases duplicated (TCTGGGGCCCTG).
Protein change: p.Ser39_Leu42dup.
Molecular consequence: inframe insertion.
Genome position (GRCh38, 1-based): chr19:19,101,814-19,101,825, TCTGGGGCCCTG duplicated; duplicating any 12 consecutive bases within chr19:19,101,811-19,101,825 gives the same sequence; the c. name uses the placement nearest the transcript's 3' end. VCF-style (leftmost placement, unchanged base first): chr19-19101810-G-GCTGTCTGGGGCC. GRCh37 (hg19) VCF-style: chr19-19212619-G-GCTGTCTGGGGCC.
Other names: c.115_126dup, p.Ser39_Leu42dup (NM_001321544.2).
Identifiers: ClinVar variation 1387429 (VCV001387429.8), dbSNP rs1350859965, ClinGen allele CA632380608.
Genomic context (GRCh38, chr19:19,101,810, plus strand): 5'-CTCTGACCTCTGATCACATGTTCTGTTGCAGCGTGACCACAGGCAAGTGCTCAGCTCCCT[G>GCTGTCTGGGGCC]CTGTCTGGGGCCCTGGCTGGTGCCCTTGCCAAAACAGCGGTAGCTCCCCTGGACCGAACC-3'